The following is an entry in ClinVar:

NM_207361.6(FREM2):c.5812del (p.Asp1938fs)

Gene: FREM2 (FRAS1 related extracellular matrix 2; plus strand). Cytogenetic location: 13q13.3.
Variant type: Deletion.
Coding change: c.5812del on transcript NM_207361.6 (MANE Select); coding-DNA position 5812, one base deleted (G; older notation c.5812delG).
Protein change: p.Asp1938fs; shifts the reading frame from aspartic acid 1938.
Molecular consequence: frameshift variant.
Genome position (GRCh38, 1-based): chr13:38,784,601, G deleted. VCF-style (leftmost placement, unchanged base first): chr13-38784600-TG-T. GRCh37 (hg19) VCF-style: chr13-39358737-TG-T.
Other names: short protein forms D1938fs.
Identifiers: ClinVar variation 4728550 (VCV004728550.1).
Genomic context (GRCh38, chr13:38,784,600, plus strand): 5'-ATTCTCTCTGCTTCCAGGAACAGCAACTGGAACTGTGCCGACTTCCGTGTTGTCTTACTC[TG>T]ATTACATATCCAGGCCTGAGGACCACACCAGTGTTGTCCGCTTTGACAAAGATGAACGGG-3'

ClinVar aggregate classification (germline): Pathogenic (1 of 4 stars; one submission).

Submission:

Labcorp Genetics (formerly Invitae), Labcorp
Classification: Pathogenic. Last evaluated: 2025-10-06. Review status: criteria provided, single submitter. Criteria: Invitae Variant Classification Sherloc (09022015). Collection method: clinical testing. Allele origin: germline.
Comment: This sequence change creates a premature translational stop signal (p.Asp1938Ilefs*26) in the FREM2 gene. It is expected to result in an absent or disrupted protein product. Loss-of-function variants in FREM2 are known to be pathogenic (PMID: 18203166, 26552811). This variant is not present in population databases (gnomAD no frequency). This variant has not been reported in the literature in individuals affected with FREM2-related conditions. For these reasons, this variant has been classified as Pathogenic.

Literature cited by the submitters: PubMed 18203166; PubMed 26552811.